The following is an entry in ClinVar:

ClinVar aggregate classification (germline): Conflicting classifications of pathogenicity. Review status: criteria provided, conflicting classifications (1 of 4 stars). 15 submissions from 15 submitters: Uncertain significance (1); Benign (9); Likely benign (3). 2 of the submissions do not count toward it. Last evaluated 2026-08-01.

Conditions:
Cardiovascular phenotype. Identifiers: MedGen CN230736.
Familial thoracic aortic aneurysm and aortic dissection (TAAD). Also called: Thoracic aortic aneurysms and dissections. Identifiers: Orphanet 91387, MedGen C4707243, MONDO:0019625.
Aortic aneurysm, familial thoracic 4 (AAT4). Also called: AORTIC ANEURYSM/AORTIC DISSECTION AND PATENT DUCTUS ARTERIOSUS. Identifiers: MedGen C1851504, MONDO:0007568, OMIM 132900.

Allele frequency attached by ClinVar (database versions not stated): gnomAD exomes 0.00076 and 0.00134; ExAC 0.00143; 1000 Genomes Project 0.00260; 1000 Genomes Project 30x 0.00297; gnomAD 0.00436 and 0.00480; TOPMed 0.00472; ESP Exome Variant Server 0.00593.
gnomAD v4.1: 1,831 of 1,614,156 alleles (0.11%); highest among the groups gnomAD compares: African/African-American, 1.4%; 10 homozygotes.

Submissions (15):

CeGaT Center for Human Genetics Tuebingen
Classification: Likely benign. Last evaluated: 2026-08-01. Review status: criteria provided, single submitter. Criteria: CeGaT Center For Human Genetics Tuebingen Variant Classification Criteria Version 2. Collection method: clinical testing. Allele origin: germline. Affected: yes. Observed: 12 variant alleles.
Comment: MYH11: BS1

Molecular Diagnostic Laboratory for Inherited Cardiovascular Disease, Montreal Heart Institute
Classification: Likely benign. Last evaluated: 2026-03-27. Review status: criteria provided, single submitter. Criteria: ACMG Guidelines, 2015. Collection method: clinical testing. Allele origin: germline. Affected: no.
Comment: BS1, BP4

Labcorp Genetics (formerly Invitae), Labcorp
Classification: Benign for Aortic aneurysm, familial thoracic 4. Last evaluated: 2026-01-28. Review status: criteria provided, single submitter. Criteria: Invitae Variant Classification Sherloc (09022015). Collection method: clinical testing. Allele origin: germline.

ARUP Laboratories, Molecular Genetics and Genomics, ARUP Laboratories
Classification: Benign. Last evaluated: 2025-05-20. Review status: criteria provided, single submitter. Criteria: ARUP Molecular Germline Variant Investigation Process 2024. Collection method: clinical testing. Allele origin: germline.

Blueprint Genetics
Classification: Likely benign. Last evaluated: 2024-10-14. Review status: criteria provided, single submitter. Criteria: ACMG Guidelines, 2015. Collection method: clinical testing. Allele origin: germline.

CHEO Genetics Diagnostic Laboratory, Children's Hospital of Eastern Ontario
Classification: Benign for Familial thoracic aortic aneurysm and aortic dissection. Last evaluated: 2022-12-07. Review status: criteria provided, single submitter. Criteria: ACMG Guidelines, 2015. Collection method: clinical testing. Allele origin: germline. Study: Canadian Open Genetics Repository.

Color Diagnostics, LLC DBA Color Health
Classification: Benign for Familial thoracic aortic aneurysm and aortic dissection. Last evaluated: 2018-03-07. Review status: criteria provided, single submitter. Criteria: ACMG Guidelines, 2015. Collection method: clinical testing. Allele origin: germline.

Illumina Laboratory Services, Illumina
Classification: Uncertain significance for Aortic aneurysm, familial thoracic 4. Last evaluated: 2017-04-27. Review status: criteria provided, single submitter. Criteria: ICSL Variant Classification Criteria 13 December 2019. Collection method: clinical testing. Allele origin: germline.
Comment: This variant was observed as part of a predisposition screen in an ostensibly healthy population. A literature search was performed for the gene, cDNA change, and amino acid change (where applicable). Publications were found based on this search. However, the evidence from the literature, in combination with allele frequency data from public databases where available, was not sufficient to rule this variant in or out of causing disease. Therefore, this variant is classified as a variant of unknown significance.

Mayo Clinic Laboratories, Mayo Clinic
Classification: Benign. Last evaluated: 2016-04-12. Review status: criteria provided, single submitter. Criteria: ACMG Guidelines, 2015. Collection method: clinical testing. Allele origin: germline. Observed: 4 variant alleles.

Clinical Genetics DNA and cytogenetics Diagnostics Lab, Erasmus MC, Erasmus Medical Center
Classification: Benign for Aortic aneurysm, familial thoracic 4. Last evaluated: 2015-11-03. Review status: criteria provided, single submitter. Criteria: ACGS Guidelines, 2013. Collection method: clinical testing. Allele origin: germline. Affected: yes. Study: VKGL Data-share Consensus.

Ambry Genetics
Classification: Benign for Cardiovascular phenotype. Last evaluated: 2015-07-20. Review status: criteria provided, single submitter. Criteria: Ambry Autosomal Dominant and X-Linked criteria (10/2015). Collection method: clinical testing. Allele origin: germline. Observed: 1 variant allele.
Comment: General population or subpopulation frequency is too high to be a pathogenic mutation based on disease/syndrome prevalence and penetrance

GeneDx
Classification: Benign. Last evaluated: 2014-01-18. Review status: criteria provided, single submitter. Criteria: GeneDx Variant Classification (06012015). Collection method: clinical testing. Allele origin: germline. Affected: yes.
Comment: This variant is considered likely benign or benign based on one or more of the following criteria: it is a conservative change, it occurs at a poorly conserved position in the protein, it is predicted to be benign by multiple in silico algorithms, and/or has population frequency not consistent with disease.

PreventionGenetics, part of Exact Sciences
Classification: Benign. Review status: criteria provided, single submitter. Criteria: ACMG Guidelines, 2015. Collection method: clinical testing. Allele origin: germline.

Genome Diagnostics Laboratory, Amsterdam University Medical Center
Classification: Benign for Aortic aneurysm, familial thoracic 4. Last evaluated: 2015-05-26. Review status: no assertion criteria provided. Criteria: ACGS Guidelines, 2013. Collection method: clinical testing. Allele origin: germline. Affected: yes. Study: VKGL Data-share Consensus. Not counted in ClinVar's aggregate classification.

Genome Diagnostics Laboratory, University Medical Center Utrecht
Classification: Benign. Review status: no assertion criteria provided. Collection method: clinical testing. Allele origin: germline. Affected: yes. Study: VKGL Data-share Consensus. Not counted in ClinVar's aggregate classification.

Literature cited by the submitters: PubMed 20226094 (cited by Illumina Laboratory Services, Illumina).

NM_002474.3(MYH11):c.4522A>G (p.Met1508Val)

Genes: MYH11 (myosin heavy chain 11; minus strand), NDE1 (nudE neurodevelopment protein 1; plus strand). Cytogenetic location: 16p13.11.
Variant type: single nucleotide variant.
Coding change: c.4522A>G on transcript NM_002474.3 (MANE Select); coding-DNA position 4522, A replaced by G.
Protein change: p.Met1508Val; replaces methionine 1508 with valine.
Molecular consequence: missense variant. On other transcripts: intron variant (2).
Genome position (GRCh38, 1-based): chr16:15,721,478, T>C on the plus strand (A>G on the coding strand, the complement: MYH11 is on the minus strand). VCF-style: chr16-15721478-T-C. GRCh37 (hg19) VCF-style: chr16-15815335-T-C.
Other names: p.M1508V:ATG>GTG; p.Met1515Val; c.4543A>G, p.Met1515Val (NM_001040113.2, NM_001040114.2); c.4522A>G, p.Met1508Val (NM_022844.3); c.948-2713T>C (NM_001143979.2, NM_017668.3); short protein forms M1515V, M1508V.
Identifiers: ClinVar variation 138345 (VCV000138345.64), dbSNP rs35176378, ClinGen allele CA292313.